The following is an entry in ClinVar:

NM_001349338.3(FOXP1):c.-168+2T>G

Gene: FOXP1 (forkhead box P1; minus strand). Cytogenetic location: 3p13.
Variant type: single nucleotide variant.
Coding change: c.-168+2T>G on transcript NM_001349338.3 (MANE Select); the canonical splice donor site of the intron after 168 bases upstream of the start codon, T replaced by G.
Molecular consequence: splice donor variant.
Genome position (GRCh38, 1-based): chr3:71,493,424, A>C on the plus strand (T>G on the coding strand, the complement: FOXP1 is on the minus strand). VCF-style: chr3-71493424-A-C. GRCh37 (hg19) VCF-style: chr3-71542575-A-C.
Other names: c.-168+2T>G (NM_001244810.2, NM_032682.6, NM_001349341.3 and 3 more transcripts); c.-73+2T>G (NM_001349340.3).
Identifiers: ClinVar variation 3378126 (VCV003378126.1).

ClinVar aggregate classification (germline): Uncertain significance (1 of 4 stars; one submission).

Submission:

GeneDx
Classification: Uncertain significance. Last evaluated: 2024-04-30. Review status: criteria provided, single submitter. Criteria: GeneDx Variant Classification Process June 2021. Collection method: clinical testing. Allele origin: germline. Affected: yes.
Comment: In silico analysis supports a deleterious effect on splicing; Has not been previously published as pathogenic or benign to our knowledge; No data available from control populations to assess the frequency of this variant